The following is an entry in ClinVar:

ClinVar aggregate classification (germline): Uncertain significance. Review status: criteria provided, single submitter (1 of 4 stars). 2 submissions from 1 submitter: Uncertain significance (2). Last evaluated 2022-11-01.

Conditions:
X-linked agammaglobulinemia with growth hormone deficiency (IGHD3). Also called: ISOLATED GROWTH HORMONE DEFICIENCY, TYPE III, WITH AGAMMAGLOBULINEMIA; HYPOGAMMAGLOBULINEMIA AND ISOLATED GROWTH HORMONE DEFICIENCY, X-LINKED; IGHD III; AGAMMAGLOBULINEMIA AND ISOLATED GROWTH HORMONE DEFICIENCY, X-LINKED; FLEISHER SYNDROME; Isolated growth hormone deficiency type 3. Identifiers: Orphanet 231692, Orphanet 631, MedGen C0472813, MONDO:0010615, OMIM 307200.
Developmental and epileptic encephalopathy, 9 (DEE9). Also called: EPILEPSY, FEMALE-RESTRICTED, WITH MENTAL RETARDATION; Early infantile epileptic encephalopathy 9; JUBERG-HELLMAN SYNDROME; PCDH19-Related X-Linked Female-Limited Epilepsy with Mental Retardation. Identifiers: Orphanet 101039, Orphanet 2076, MedGen C1848137, MONDO:0010246, OMIM 300088. Disease mechanism: loss of function.

Submissions (2):

Labcorp Genetics (formerly Invitae), Labcorp
Classification: Uncertain significance for Developmental and epileptic encephalopathy, 9. Last evaluated: 2022-11-01. Review status: criteria provided, single submitter. Criteria: Invitae Variant Classification Sherloc (09022015). Collection method: clinical testing. Allele origin: germline.
Comment: A copy number gain of the genomic region encompassing the full coding sequence of the PCDH19 gene has been identified. The boundaries of this event are unknown as they extend beyond the assayed region for this gene and therefore may encompass additional genes. As the precise location of this event is unknown, it may be in tandem or it may be located elsewhere in the genome. This variant has not been reported in the literature in individuals affected with PCDH19-related conditions. In summary, the available evidence is currently insufficient to determine the role of this variant in disease. Therefore, it has been classified as a Variant of Uncertain Significance.

Labcorp Genetics (formerly Invitae), Labcorp
Classification: Uncertain significance for X-linked agammaglobulinemia with growth hormone deficiency. Last evaluated: 2022-06-27. Review status: criteria provided, single submitter. Criteria: Invitae Variant Classification Sherloc (09022015). Collection method: clinical testing. Allele origin: germline.
Comment: A copy number gain of the genomic region encompassing the full coding sequence of the BTK gene has been identified. The boundaries of this event are unknown as they extend beyond the assayed region for this gene and therefore may encompass additional genes. As the precise location of this event is unknown, it may be in tandem or it may be located elsewhere in the genome. This variant has not been reported in the literature in individuals affected with BTK-related conditions. In summary, the available evidence is currently insufficient to determine the role of this variant in disease. Therefore, it has been classified as a Variant of Uncertain Significance.

NC_000023.10:g.(?_99551275)_(101097764_?)dup

Genes: ARL13A (ARF like GTPase 13A; plus strand), TMEM35A (transmembrane protein 35A; plus strand), TRMT2B (tRNA methyltransferase 2B; minus strand), GLA (galactosidase alpha; minus strand), TIMM8A (translocase of inner mitochondrial membrane 8A; minus strand) and 22 more. Cytogenetic location: Xq22.1.
Variant type: Duplication.
Identifiers: ClinVar variation 2422282 (VCV002422282.5).